The following is an entry in ClinVar:

ClinVar aggregate classification (germline): Uncertain significance. Review status: criteria provided, multiple submitters, no conflicts (2 of 4 stars). 2 submissions from 2 submitters: Uncertain significance (2). Last evaluated 2024-09-15.

gnomAD v4.1: 88 of 1,613,822 alleles (0.0055%); highest among the groups gnomAD compares: African/African-American, 0.004%; no homozygotes.

Submissions (2):

Labcorp Genetics (formerly Invitae), Labcorp
Classification: Uncertain significance. Last evaluated: 2024-09-15. Review status: criteria provided, single submitter. Criteria: Invitae Variant Classification Sherloc (09022015). Collection method: clinical testing. Allele origin: germline.
Comment: This sequence change replaces arginine, which is basic and polar, with glutamine, which is neutral and polar, at codon 146 of the PROM1 protein (p.Arg146Gln). This variant is present in population databases (rs202210448, gnomAD 0.09%). This missense change has been observed in individual(s) with macular dystrophy (PMID: 31129250). Invitae Evidence Modeling of protein sequence and biophysical properties (such as structural, functional, and spatial information, amino acid conservation, physicochemical variation, residue mobility, and thermodynamic stability) indicates that this missense variant is expected to disrupt PROM1 protein function with a positive predictive value of 80%. In summary, the available evidence is currently insufficient to determine the role of this variant in disease. Therefore, it has been classified as a Variant of Uncertain Significance.

Blueprint Genetics
Classification: Uncertain significance. Last evaluated: 2020-04-28. Review status: criteria provided, single submitter. Criteria: ACMG Guidelines, 2015. Collection method: clinical testing. Allele origin: germline.

Literature cited by the submitters: PubMed 31129250 (cited by Labcorp Genetics (formerly Invitae), Labcorp).

NM_006017.3(PROM1):c.437G>A (p.Arg146Gln)

Gene: PROM1 (prominin 1; minus strand). Cytogenetic location: 4p15.32.
Variant type: single nucleotide variant.
Coding change: c.437G>A on transcript NM_006017.3 (MANE Select); coding-DNA position 437, G replaced by A.
Protein change: p.Arg146Gln; replaces arginine 146 with glutamine.
Molecular consequence: missense variant.
Genome position (GRCh38, 1-based): chr4:16,033,376, C>T on the plus strand (G>A on the coding strand, the complement: PROM1 is on the minus strand). VCF-style: chr4-16033376-C-T. GRCh37 (hg19) VCF-style: chr4-16034999-C-T.
Other names: c.410G>A, p.Arg137Gln (NM_001145847.2, NM_001145848.2, NM_001145851.2 and 4 more transcripts); c.437G>A, p.Arg146Gln (NM_001145849.2, NM_001145850.2); short protein forms R146Q, R137Q.
Identifiers: ClinVar variation 3673848 (VCV003673848.3).